The following is an entry in ClinVar:

ClinVar aggregate classification (germline): Uncertain significance (1 of 4 stars; one submission).

Conditions:
Dilated cardiomyopathy 1DD (CMD1DD). Identifiers: Orphanet 154, MedGen C2750995, MONDO:0013168, OMIM 613172.

Allele frequency attached by ClinVar (database versions not stated): gnomAD exomes below 0.00001.
gnomAD v4.1: 2 of 1,529,402 alleles (0.00013%); highest among the groups gnomAD compares: Non-Finnish European, 0.00018%; no homozygotes.

Submission:

Labcorp Genetics (formerly Invitae), Labcorp
Classification: Uncertain significance for Dilated cardiomyopathy 1DD. Last evaluated: 2018-07-17. Review status: criteria provided, single submitter. Criteria: Invitae Variant Classification Sherloc (09022015). Collection method: clinical testing. Allele origin: germline.
Comment: In summary, the available evidence is currently insufficient to determine the role of this variant in disease. Therefore, it has been classified as a Variant of Uncertain Significance. Algorithms developed to predict the effect of missense changes on protein structure and function output the following: SIFT: "Not Available"; PolyPhen-2: "Benign"; Align-GVGD: "Class C0". The arginine amino acid residue is found in multiple mammalian species, suggesting that this missense change does not adversely affect protein function. These predictions have not been confirmed by published functional studies and their clinical significance is uncertain. This variant has not been reported in the literature in individuals with RBM20-related disease. While this variant is not present in population databases, the frequency information is unreliable, as metrics indicate poor data quality at this position in the ExAC database. This sequence change replaces cysteine with arginine at codon 24 of the RBM20 protein (p.Cys24Arg). The cysteine residue is weakly conserved and there is a large physicochemical difference between cysteine and arginine.

NM_001134363.3(RBM20):c.70T>C (p.Cys24Arg)

Gene: RBM20 (RNA binding motif protein 20; plus strand). Cytogenetic location: 10q25.2.
Variant type: single nucleotide variant.
Coding change: c.70T>C on transcript NM_001134363.3 (MANE Select); coding-DNA position 70, T replaced by C.
Protein change: p.Cys24Arg; replaces cysteine 24 with arginine.
Molecular consequence: missense variant.
Genome position (GRCh38, 1-based): chr10:110,644,524, T>C. VCF-style: chr10-110644524-T-C. GRCh37 (hg19) VCF-style: chr10-112404282-T-C.
Other names: short protein forms C24R.
Identifiers: ClinVar variation 642495 (VCV000642495.8), dbSNP rs1371624996, ClinGen allele CA378527506.